The following is an entry in ClinVar:

ClinVar aggregate classification (germline): Uncertain significance. Review status: criteria provided, multiple submitters, no conflicts (2 of 4 stars). 2 submissions from 2 submitters: Uncertain significance (2). Last evaluated 2022-08-09.

Conditions:
Griscelli syndrome type 2 (GS2). Also called: GRISCELLI SYNDROME WITH HEMOPHAGOCYTIC SYNDROME; PAID SYNDROME; PARTIAL ALBINISM AND IMMUNODEFICIENCY SYNDROME. Identifiers: Orphanet 381, Orphanet 79477, MedGen C1868679, MONDO:0011872, OMIM 607624.

Allele frequency attached by ClinVar (database versions not stated): gnomAD exomes below 0.00001; TOPMed below 0.00001; gnomAD 0.00002.
gnomAD v4.1: 5 of 1,588,610 alleles (0.00031%); highest among the groups gnomAD compares: African/African-American, 0.0067%; no homozygotes.

Submissions (2):

Labcorp Genetics (formerly Invitae), Labcorp
Classification: Uncertain significance for Griscelli syndrome type 2. Last evaluated: 2022-08-09. Review status: criteria provided, single submitter. Criteria: Invitae Variant Classification Sherloc (09022015). Collection method: clinical testing. Allele origin: germline.
Comment: This variant has not been reported in the literature in individuals affected with RAB27A-related conditions. This sequence change replaces isoleucine, which is neutral and non-polar, with valine, which is neutral and non-polar, at codon 114 of the RAB27A protein (p.Ile114Val). This variant is present in population databases (no rsID available, gnomAD 0.007%). ClinVar contains an entry for this variant (Variation ID: 1422906). Advanced modeling of protein sequence and biophysical properties (such as structural, functional, and spatial information, amino acid conservation, physicochemical variation, residue mobility, and thermodynamic stability) performed at Invitae indicates that this missense variant is not expected to disrupt RAB27A protein function. Algorithms developed to predict the effect of sequence changes on RNA splicing suggest that this variant may disrupt the consensus splice site. In summary, the available evidence is currently insufficient to determine the role of this variant in disease. Therefore, it has been classified as a Variant of Uncertain Significance.

Neuberg Centre For Genomic Medicine, NCGM
Classification: Uncertain significance for Griscelli syndrome type 2. Review status: criteria provided, single submitter. Criteria: ACMG Guidelines, 2015. Collection method: clinical testing. Allele origin: germline. Inheritance: Autosomal recessive inheritance. Affected: yes.
Comment: The missense variant c.340A>G (p.Ile114Val) in RAB27A has been submitted to ClinVar as a Variant of Uncertain Significance (VUS). This p.Ile114Val variant has allele frequency of 0.0003980% in the gnomAD and novel (not in any individuals) in 1000 genome database. The amino acid Ile at position 114 is changed to a Val changing protein sequence and it might alter its composition and physico-chemical properties. The amino acid change p.Ile114Val in RAB27A is predicted as conserved by GERP++ and PhyloP across 100 vertebrates. For these reasons, this variant has been classified as Uncertain Significance (VUS).

NM_183235.3(RAB27A):c.340A>G (p.Ile114Val)

Gene: RAB27A (RAB27A, member RAS oncogene family; minus strand). Cytogenetic location: 15q21.3.
Variant type: single nucleotide variant.
Coding change: c.340A>G on transcript NM_183235.3 (MANE Select); coding-DNA position 340, A replaced by G.
Protein change: p.Ile114Val; replaces isoleucine 114 with valine.
Molecular consequence: missense variant.
Genome position (GRCh38, 1-based): chr15:55,228,612, T>C on the plus strand (A>G on the coding strand, the complement: RAB27A is on the minus strand). VCF-style: chr15-55228612-T-C. GRCh37 (hg19) VCF-style: chr15-55520810-T-C.
Other names: c.340A>G, p.Ile114Val (NM_004580.5, NM_183234.3, NM_183236.3); short protein forms I114V.
Identifiers: ClinVar variation 1422906 (VCV001422906.7), dbSNP rs1218762595, ClinGen allele CA392530334.